The following is an entry in ClinVar:

NM_002206.3(ITGA7):c.2113G>A (p.Gly705Arg)

Genes: ITGA7 (integrin subunit alpha 7; minus strand), LOC126861535 (CDK7 strongly-dependent group 2 enhancer GRCh37_chr12:56087579-56088778; plus strand). Cytogenetic location: 12q13.2.
Variant type: single nucleotide variant.
Coding change: c.2113G>A on transcript NM_002206.3 (MANE Select); coding-DNA position 2113, G replaced by A.
Protein change: p.Gly705Arg; replaces glycine 705 with arginine.
Molecular consequence: missense variant. On other transcripts: intron variant (1).
Genome position (GRCh38, 1-based): chr12:55,694,861, C>T on the plus strand (G>A on the coding strand, the complement: ITGA7 is on the minus strand). VCF-style: chr12-55694861-C-T. GRCh37 (hg19) VCF-style: chr12-56088645-C-T.
Other names: c.2125G>A, p.Gly709Arg (NM_001144996.2); c.1834G>A, p.Gly612Arg (NM_001144997.2); c.1786G>A, p.Gly596Arg (NM_001367993.1); c.769G>A, p.Gly257Arg (NM_001367994.1); c.2095G>A, p.Gly699Arg (NM_001374465.1); c.2245G>A, p.Gly749Arg (NM_001410977.1); c.2107G>A, p.Gly703Arg (NM_001414029.1); c.2038G>A, p.Gly680Arg (NM_001414030.1); and 5 more; short protein forms G257R, G592R, G596R, G612R, G703R, G665R, G676R, G699R.
Identifiers: ClinVar variation 3731065 (VCV003731065.1).

ClinVar aggregate classification (germline): Uncertain significance (1 of 4 stars; one submission).

gnomAD v4.1: 7 of 1,614,022 alleles (0.00043%); highest among the groups gnomAD compares: African/African-American, 0.0013%; no homozygotes.

Submission:

GeneDx
Classification: Uncertain significance. Last evaluated: 2024-08-13. Review status: criteria provided, single submitter. Criteria: GeneDx Variant Classification Process June 2021. Collection method: clinical testing. Allele origin: germline. Affected: yes.
Comment: Not observed at significant frequency in large population cohorts (gnomAD); In silico analysis supports that this missense variant has a deleterious effect on protein structure/function; Has not been previously published as pathogenic or benign to our knowledge